The following is an entry in ClinVar:

ClinVar aggregate classification (germline): Uncertain significance (1 of 4 stars; one submission).

Conditions:
Hereditary cancer-predisposing syndrome. Also called: Tumor predisposition; Hereditary Cancer Syndrome; Hereditary neoplastic syndrome; Neoplastic Syndromes, Hereditary. Identifiers: Orphanet 140162, MedGen C0027672, MeSH D009386, MONDO:0015356.

Submission:

Ambry Genetics
Classification: Uncertain significance for Hereditary cancer-predisposing syndrome. Last evaluated: 2024-05-20. Review status: criteria provided, single submitter. Criteria: Ambry Variant Classification Scheme 2023. Collection method: clinical testing. Allele origin: germline.
Comment: The p.A237T variant (also known as c.709G>A), located in coding exon 3 of the MEN1 gene, results from a G to A substitution at nucleotide position 709. The alanine at codon 237 is replaced by threonine, an amino acid with similar properties. This amino acid position is conserved. In addition, this alteration is predicted to be deleterious by in silico analysis. Based on the available evidence, the clinical significance of this variant remains unclear.

NM_001370259.2(MEN1):c.709G>A (p.Ala237Thr)

Gene: MEN1 (menin 1; minus strand). Cytogenetic location: 11q13.1.
Variant type: single nucleotide variant.
Coding change: c.709G>A on transcript NM_001370259.2 (MANE Select); coding-DNA position 709, G replaced by A.
Protein change: p.Ala237Thr; replaces alanine 237 with threonine.
Molecular consequence: missense variant. On other transcripts: non-coding transcript variant (4).
Genome position (GRCh38, 1-based): chr11:64,807,626, C>T on the plus strand (G>A on the coding strand, the complement: MEN1 is on the minus strand). VCF-style: chr11-64807626-C-T. GRCh37 (hg19) VCF-style: chr11-64575098-C-T.
Other names: c.724G>A, p.Ala242Thr (NM_000244.4, NM_130800.3, NM_130801.3 and 5 more transcripts); c.709G>A, p.Ala237Thr (NM_001370251.2, NM_001370260.2, NM_001370261.2 and 7 more transcripts); c.604G>A, p.Ala202Thr (NM_001370262.2, NM_001370263.2, NM_001407148.1 and 2 more transcripts); short protein forms A202T, A242T, A237T.
Identifiers: ClinVar variation 3294223 (VCV003294223.1).